The following is an entry in ClinVar:

NM_000051.4(ATM):c.901+12A>G

Gene: ATM (ATM serine/threonine kinase; plus strand). Cytogenetic location: 11q22.3.
Variant type: single nucleotide variant.
Coding change: c.901+12A>G on transcript NM_000051.4 (MANE Select); 12 bases into the intron after coding-DNA position 901, A replaced by G.
Molecular consequence: intron variant.
Genome position (GRCh38, 1-based): chr11:108,245,038, A>G. VCF-style: chr11-108245038-A-G. GRCh37 (hg19) VCF-style: chr11-108115765-A-G.
Other names: c.901+12A>G (NM_001351834.2).
Identifiers: ClinVar variation 377504 (VCV000377504.11), dbSNP rs759379354, ClinGen allele CA6264692.

ClinVar aggregate classification (germline): Likely benign. Review status: criteria provided, multiple submitters, no conflicts (2 of 4 stars). 3 submissions from 3 submitters: Likely benign (3). Last evaluated 2025-05-13.

Conditions:
Hereditary cancer-predisposing syndrome. Also called: Hereditary neoplastic syndrome; Tumor predisposition; Neoplastic Syndromes, Hereditary; Hereditary Cancer Syndrome. Identifiers: Orphanet 140162, MedGen C0027672, MeSH D009386, MONDO:0015356.
Ataxia-telangiectasia syndrome (AT). Also called: LOUIS-BAR SYNDROME; ATAXIA-TELANGIECTASIA, COMPLEMENTATION GROUP A; ATAXIA-TELANGIECTASIA, FRESNO VARIANT; Ataxia-telangiectasia; Ataxia telangiectasia (A-T); Cerebello-oculocutaneous telangiectasia. Identifiers: Orphanet 100, MedGen C0004135, MONDO:0008840, OMIM 208900.

Allele frequency attached by ClinVar (database versions not stated): gnomAD exomes below 0.00001 and 0.00001; ExAC 0.00001; gnomAD 0.00001; TOPMed 0.00001.
gnomAD v4.1: 14 of 1,584,832 alleles (0.00088%); highest among the groups gnomAD compares: Non-Finnish European, 0.0012%; no homozygotes.

Submissions (3):

Labcorp Genetics (formerly Invitae), Labcorp
Classification: Likely benign for Ataxia-telangiectasia syndrome. Last evaluated: 2025-05-13. Review status: criteria provided, single submitter. Criteria: Invitae Variant Classification Sherloc (09022015). Collection method: clinical testing. Allele origin: germline.

Color Diagnostics, LLC DBA Color Health
Classification: Likely benign for Hereditary cancer-predisposing syndrome. Last evaluated: 2017-05-29. Review status: criteria provided, single submitter. Criteria: ACMG Guidelines, 2015. Collection method: clinical testing. Allele origin: germline.

GeneDx
Classification: Likely benign. Last evaluated: 2016-05-12. Review status: criteria provided, single submitter. Criteria: GeneDx Variant Classification (06012015). Collection method: clinical testing. Allele origin: germline. Affected: yes.
Comment: This variant is considered likely benign or benign based on one or more of the following criteria: it is a conservative change, it occurs at a poorly conserved position in the protein, it is predicted to be benign by multiple in silico algorithms, and/or has population frequency not consistent with disease.